The following is an entry in ClinVar:

ClinVar aggregate classification (germline): Uncertain significance (1 of 4 stars; one submission).

Allele frequency attached by ClinVar (database versions not stated): gnomAD 0.00001.

Submission:

Labcorp Genetics (formerly Invitae), Labcorp
Classification: Uncertain significance. Last evaluated: 2024-05-15. Review status: criteria provided, single submitter. Criteria: Invitae Variant Classification Sherloc (09022015). Collection method: clinical testing. Allele origin: germline.
Comment: This sequence change replaces glutamic acid, which is acidic and polar, with aspartic acid, which is acidic and polar, at codon 2157 of the CAD protein (p.Glu2157Asp). This variant is not present in population databases (gnomAD no frequency). This variant has not been reported in the literature in individuals affected with CAD-related conditions. ClinVar contains an entry for this variant (Variation ID: 1367296). An algorithm developed to predict the effect of missense changes on protein structure and function (PolyPhen-2) suggests that this variant is likely to be tolerated. In summary, the available evidence is currently insufficient to determine the role of this variant in disease. Therefore, it has been classified as a Variant of Uncertain Significance.

NM_004341.5(CAD):c.6471G>T (p.Glu2157Asp)

Genes: CAD (carbamoyl-phosphate synthetase 2, aspartate transcarbamylase, and dihydroorotase; plus strand), LOC126806172 (CDK7 strongly-dependent group 2 enhancer GRCh37_chr2:27465505-27466704; plus strand). Cytogenetic location: 2p23.3.
Variant type: single nucleotide variant.
Coding change: c.6471G>T on transcript NM_004341.5 (MANE Select); coding-DNA position 6471, G replaced by T.
Protein change: p.Glu2157Asp; replaces glutamic acid 2157 with aspartic acid.
Molecular consequence: missense variant.
Genome position (GRCh38, 1-based): chr2:27,242,964, G>T. VCF-style: chr2-27242964-G-T. GRCh37 (hg19) VCF-style: chr2-27465832-G-T.
Other names: c.6282G>T, p.Glu2094Asp (NM_001306079.2); short protein forms E2094D, E2157D.
Identifiers: ClinVar variation 1367296 (VCV001367296.8), dbSNP rs1390953790, ClinGen allele CA346225125.
Genomic context (GRCh38, chr2:27,242,964, plus strand): 5'-TGACACTGATGTGCTCTACATGACTCGAATCCAGAAGGAACGATTTGGCTCTACCCAGGA[G>T]TACGAAGCTGTGAGTGCTGGGCTTGAGGAAGAAGCCAGGGCTGCTGCCGTAGGGCATCAG-3'
Protein context (NP_004332.2, residues 2147-2167): IQKERFGSTQ[Glu2157Asp]YEACFGQFIL